The following is an entry in ClinVar:

NM_000532.5(PCCB):c.35C>A (p.Ala12Glu)

Gene: PCCB (propionyl-CoA carboxylase subunit beta; plus strand). Cytogenetic location: 3q22.3.
Variant type: single nucleotide variant.
Coding change: c.35C>A on transcript NM_000532.5 (MANE Select); coding-DNA position 35, C replaced by A.
Protein change: p.Ala12Glu; replaces alanine 12 with glutamic acid.
Molecular consequence: missense variant.
Genome position (GRCh38, 1-based): chr3:136,250,410, C>A. VCF-style: chr3-136250410-C-A. GRCh37 (hg19) VCF-style: chr3-135969252-C-A.
Other names: c.35C>A, p.Ala12Glu (NM_001178014.2); short protein forms A12E.
Identifiers: ClinVar variation 1031611 (VCV001031611.5), dbSNP rs1257439275, ClinGen allele CA354737865.

ClinVar aggregate classification (germline): Uncertain significance. Review status: criteria provided, multiple submitters, no conflicts (2 of 4 stars). 2 submissions from 2 submitters: Uncertain significance (2). Last evaluated 2022-03-30.

Conditions:
Propionic acidemia (PROP). Also called: GLYCINEMIA, KETOTIC; HYPERGLYCINEMIA WITH KETOACIDOSIS AND LEUKOPENIA; KETOTIC HYPERGLYCINEMIA. Identifiers: Orphanet 35, MedGen C0268579, MONDO:0011628, OMIM 606054, HP:0003571.

gnomAD v4.1: 3 of 1,574,238 alleles (0.00019%); highest among the groups gnomAD compares: Non-Finnish European, 0.00026%; no homozygotes.

Submissions (2):

Labcorp Genetics (formerly Invitae), Labcorp
Classification: Uncertain significance for Propionic acidemia. Last evaluated: 2022-03-30. Review status: criteria provided, single submitter. Criteria: Invitae Variant Classification Sherloc (09022015). Collection method: clinical testing. Allele origin: germline.
Comment: This sequence change replaces alanine, which is neutral and non-polar, with glutamic acid, which is acidic and polar, at codon 12 of the PCCB protein (p.Ala12Glu). The frequency data for this variant in the population databases is considered unreliable, as metrics indicate poor data quality at this position in the gnomAD database. In summary, the available evidence is currently insufficient to determine the role of this variant in disease. Therefore, it has been classified as a Variant of Uncertain Significance. Advanced modeling of protein sequence and biophysical properties (such as structural, functional, and spatial information, amino acid conservation, physicochemical variation, residue mobility, and thermodynamic stability) performed at Invitae indicates that this missense variant is not expected to disrupt PCCB protein function. ClinVar contains an entry for this variant (Variation ID: 1031611). This variant has not been reported in the literature in individuals affected with PCCB-related conditions.

Baylor Genetics
Classification: Uncertain significance for Propionic acidemia. Last evaluated: 2018-08-30. Review status: criteria provided, single submitter. Criteria: ACMG Guidelines, 2015. Collection method: clinical testing. Allele origin: paternal. Affected: yes.
Comment: This variant was determined to be of uncertain significance according to ACMG Guidelines, 2015 [PMID:25741868].